The following is an entry in ClinVar:

NM_001370348.2(PHF3):c.151G>A (p.Asp51Asn)

Gene: PHF3 (PHD finger protein 3; plus strand). Cytogenetic location: 6q12.
Variant type: single nucleotide variant.
Coding change: c.151G>A on transcript NM_001370348.2 (MANE Select); coding-DNA position 151, G replaced by A.
Protein change: p.Asp51Asn; replaces aspartic acid 51 with asparagine.
Molecular consequence: missense variant. On other transcripts: 5 prime UTR variant (2), intron variant (1).
Genome position (GRCh38, 1-based): chr6:63,646,702, G>A. VCF-style: chr6-63646702-G-A. GRCh37 (hg19) VCF-style: chr6-64356607-G-A.
Other names: c.-307G>A (NM_001290259.2); c.151G>A, p.Asp51Asn (NM_001290260.2, NM_015153.4); c.-260G>A (NM_001370350.2); c.-21+10552G>A (NM_001370349.2); short protein forms D51N.
Identifiers: ClinVar variation 2634524 (VCV002634524.1), dbSNP rs1764797672, ClinGen allele CA364370257.

ClinVar aggregate classification (germline): Uncertain significance (1 of 4 stars; one submission).

Conditions:
PHF3-related disorder. Also called: PHF3-related condition.

Allele frequency attached by ClinVar (database versions not stated): gnomAD exomes below 0.00001.
gnomAD v4.1: 1 of 1,613,410 alleles (0.000062%); highest among the groups gnomAD compares: Non-Finnish European, 0.000085%; no homozygotes.

Submission:

PreventionGenetics, part of Exact Sciences
Classification: Uncertain significance for PHF3-related condition. Last evaluated: 2022-11-22. Review status: criteria provided, single submitter. Criteria: ACMG Guidelines, 2015. Collection method: clinical testing. Allele origin: germline.
Comment: The PHF3 c.151G>A variant is predicted to result in the amino acid substitution p.Asp51Asn. To our knowledge, this variant has not been reported in the literature or in a large population database, indicating this variant is rare. At this time, the clinical significance of this variant is uncertain due to the absence of conclusive functional and genetic evidence.